The following is an entry in ClinVar:

NM_001355436.2(SPTB):c.742dup (p.Ile248fs)

Gene: SPTB (spectrin beta, erythrocytic; minus strand). Cytogenetic location: 14q23.3.
Variant type: Duplication.
Coding change: c.742dup on transcript NM_001355436.2 (MANE Select); coding-DNA position 742, one base duplicated (A; older notation c.742dupA).
Protein change: p.Ile248fs; shifts the reading frame from isoleucine 248.
Molecular consequence: frameshift variant.
Genome position (GRCh38, 1-based): chr14:64,801,306, T duplicated on the plus strand (A on the coding strand, the reverse complement: SPTB is on the minus strand). VCF-style (leftmost placement, unchanged base first): chr14-64801305-A-AT. GRCh37 (hg19) VCF-style: chr14-65268023-A-AT.
Other names: c.742dup, p.Ile248fs (NM_001024858.4, NM_001355437.2); short protein forms I248fs.
Identifiers: ClinVar variation 1163558 (VCV001163558.5), dbSNP rs2139628261, ClinGen allele CA2499222663.

ClinVar aggregate classification (germline): Likely pathogenic (1 of 4 stars; one submission).

Submission:

Mayo Clinic Laboratories, Mayo Clinic
Classification: Likely pathogenic. Last evaluated: 2020-08-18. Review status: criteria provided, single submitter. Criteria: ACMG Guidelines, 2015. Collection method: clinical testing. Allele origin: germline. Observed: 1 variant allele.
Comment: PVS1, PM2